The following is an entry in ClinVar:

NM_020778.5(ALPK3):c.4194G>T (p.Trp1398Cys)

Gene: ALPK3 (alpha kinase 3; plus strand). Cytogenetic location: 15q25.3.
Variant type: single nucleotide variant.
Coding change: c.4194G>T on transcript NM_020778.5 (MANE Select); coding-DNA position 4194, G replaced by T.
Protein change: p.Trp1398Cys; replaces tryptophan 1398 with cysteine.
Molecular consequence: missense variant.
Genome position (GRCh38, 1-based): chr15:84,862,699, G>T. VCF-style: chr15-84862699-G-T. GRCh37 (hg19) VCF-style: chr15-85405930-G-T.
Other names: short protein forms W1398C.
Identifiers: ClinVar variation 1187230 (VCV001187230.5), dbSNP rs780428798, ClinGen allele CA7709896.
Genomic context (GRCh38, chr15:84,862,699, plus strand): 5'-AGAAGAGATTGAGATGACCCCTATGGTGTTTGCTAAGGGTCTGGCTGACTCTGGCTGCTG[G>T]GGGGACAAGCTCTTTGGGCGACTGGTAAGCGAGGAGCTCCGAGGGGGTGGATATGGGTGT-3'
Protein context (NP_065829.4, residues 1388-1408): FAKGLADSGC[Trp1398Cys]GDKLFGRLVS

ClinVar aggregate classification (germline): Uncertain significance. Review status: criteria provided, multiple submitters, no conflicts (2 of 4 stars). 2 submissions from 2 submitters: Uncertain significance (2). Last evaluated 2025-07-30.

Conditions:
Cardiovascular phenotype. Identifiers: MedGen CN230736.

Allele frequency attached by ClinVar (database versions not stated): gnomAD exomes below 0.00001 and 0.00002; ExAC 0.00001.
gnomAD v4.1: 9 of 1,614,186 alleles (0.00056%); highest among the groups gnomAD compares: East Asian, 0.02%; no homozygotes.

Submissions (2):

Ambry Genetics
Classification: Uncertain significance for Cardiovascular phenotype. Last evaluated: 2025-07-30. Review status: criteria provided, single submitter. Criteria: Ambry Variant Classification Scheme 2023. Collection method: clinical testing. Allele origin: germline.
Comment: The p.W1600C variant (also known as c.4800G>T), located in coding exon 10 of the ALPK3 gene, results from a G to T substitution at nucleotide position 4800. The tryptophan at codon 1600 is replaced by cysteine, an amino acid with highly dissimilar properties. This amino acid position is conserved. In addition, the in silico prediction for this alteration is inconclusive. Based on the available evidence, the clinical significance of this variant remains unclear.

GeneDx
Classification: Uncertain significance. Last evaluated: 2022-08-31. Review status: criteria provided, single submitter. Criteria: GeneDx Variant Classification Process June 2021. Collection method: clinical testing. Allele origin: germline. Affected: yes.
Comment: Has not been previously published as pathogenic or benign to our knowledge; Not observed at significant frequency in large population cohorts (gnomAD); In silico analysis supports that this missense variant has a deleterious effect on protein structure/function